The following is an entry in ClinVar:

ClinVar aggregate classification (germline): Uncertain significance. Review status: criteria provided, multiple submitters, no conflicts (2 of 4 stars). 2 submissions from 2 submitters: Uncertain significance (2). Last evaluated 2025-10-21.

Conditions:
Gingival disorder. Also called: Gingival disease. Identifiers: MedGen C0017563, MONDO:0002021.

Allele frequency attached by ClinVar (database versions not stated): gnomAD 0.00004; TOPMed 0.00006; ExAC 0.00008; gnomAD exomes 0.00008; 1000 Genomes Project 30x 0.00016; 1000 Genomes Project 0.00020.
gnomAD v4.1: 91 of 1,614,140 alleles (0.0056%); highest among the groups gnomAD compares: Admixed American, 0.02%; no homozygotes.

Submissions (2):

Labcorp Genetics (formerly Invitae), Labcorp
Classification: Uncertain significance for Gingival disorder. Last evaluated: 2025-10-21. Review status: criteria provided, single submitter. Criteria: Invitae Variant Classification Sherloc (09022015). Collection method: clinical testing. Allele origin: germline.
Comment: This sequence change replaces valine, which is neutral and non-polar, with methionine, which is neutral and non-polar, at codon 69 of the FPR1 protein (p.Val69Met). This variant is present in population databases (rs199534146, gnomAD 0.02%). This variant has not been reported in the literature in individuals affected with FPR1-related conditions. ClinVar contains an entry for this variant (Variation ID: 660114). An algorithm developed to predict the effect of missense changes on protein structure and function (PolyPhen-2) suggests that this variant is likely to be tolerated. In summary, the available evidence is currently insufficient to determine the role of this variant in disease. Therefore, it has been classified as a Variant of Uncertain Significance.

Ambry Genetics
Classification: Uncertain significance. Last evaluated: 2023-02-15. Review status: criteria provided, single submitter. Criteria: Ambry Variant Classification Scheme 2023. Collection method: clinical testing. Allele origin: germline.

NM_002029.4(FPR1):c.205G>A (p.Val69Met)

Gene: FPR1 (formyl peptide receptor 1; minus strand). Cytogenetic location: 19q13.41.
Variant type: single nucleotide variant.
Coding change: c.205G>A on transcript NM_002029.4 (MANE Select); coding-DNA position 205, G replaced by A.
Protein change: p.Val69Met; replaces valine 69 with methionine.
Molecular consequence: missense variant.
Genome position (GRCh38, 1-based): chr19:51,746,790, C>T on the plus strand (G>A on the coding strand, the complement: FPR1 is on the minus strand). VCF-style: chr19-51746790-C-T. GRCh37 (hg19) VCF-style: chr19-52250043-C-T.
Other names: c.205G>A, p.Val69Met (NM_001193306.2); short protein forms V69M.
Identifiers: ClinVar variation 660114 (VCV000660114.12), dbSNP rs199534146, ClinGen allele CA9616507.